The following is an entry in ClinVar:

ClinVar aggregate classification (germline): Conflicting classifications of pathogenicity. Review status: criteria provided, conflicting classifications (1 of 4 stars). 10 submissions from 10 submitters: Uncertain significance (6); Likely benign (2). 2 of the submissions do not count toward it. Last evaluated 2024-06-03.

Conditions:
Hereditary breast ovarian cancer syndrome. Also called: Hereditary breast and ovarian cancer syndrome; Hereditary breast and ovarian cancer; Hereditary breast and ovarian cancer syndrome (HBOC); Breast and ovarian cancer; Hereditary breast and/or ovarian cancer syndrome; BRCA1- and BRCA2-Associated Hereditary Breast and Ovarian Cancer. Identifiers: Orphanet 145, MedGen C0677776, MeSH D061325, MONDO:0003582. Disease mechanism: loss of function.
Breast-ovarian cancer, familial, susceptibility to, 2 (BROVCA2). Also called: BRCA2 Hereditary Breast and Ovarian Cancer. Identifiers: Orphanet 145, MedGen C2675520, MONDO:0012933, OMIM 612555. Disease mechanism: loss of function.
Hereditary cancer-predisposing syndrome. Also called: Neoplastic Syndromes, Hereditary; Tumor predisposition; Hereditary Cancer Syndrome; Hereditary neoplastic syndrome. Identifiers: Orphanet 140162, MedGen C0027672, MeSH D009386, MONDO:0015356.

Allele frequency attached by ClinVar (database versions not stated): gnomAD exomes below 0.00001 and 0.00001.
gnomAD v4.1: 5 of 1,597,338 alleles (0.00031%); highest among the groups gnomAD compares: South Asian, 0.0058%; no homozygotes.

Submissions (10):

Ambry Genetics
Classification: Uncertain significance for Hereditary cancer-predisposing syndrome. Last evaluated: 2024-06-03. Review status: criteria provided, single submitter. Criteria: Ambry Variant Classification Scheme 2023. Collection method: clinical testing. Allele origin: germline.
Comment: The p.F520V variant (also known as c.1558T>G), located in coding exon 9 of the BRCA2 gene, results from a T to G substitution at nucleotide position 1558. The phenylalanine at codon 520 is replaced by valine, an amino acid with highly similar properties. This amino acid position is well conserved in available vertebrate species. In addition, this alteration is predicted to be tolerated by in silico analysis. Since supporting evidence is limited at this time, the clinical significance of this alteration remains unclear.

Labcorp Genetics (formerly Invitae), Labcorp
Classification: Uncertain significance for Hereditary breast ovarian cancer syndrome. Last evaluated: 2024-03-01. Review status: criteria provided, single submitter. Criteria: Invitae Variant Classification Sherloc (09022015). Collection method: clinical testing. Allele origin: germline.
Comment: This sequence change replaces phenylalanine, which is neutral and non-polar, with valine, which is neutral and non-polar, at codon 520 of the BRCA2 protein (p.Phe520Val). This variant is present in population databases (rs80358441, gnomAD 0.007%). This missense change has been observed in individual(s) with clinical features of BRCA2-related conditions (PMID: 10923033). ClinVar contains an entry for this variant (Variation ID: 51143). Advanced modeling of protein sequence and biophysical properties (such as structural, functional, and spatial information, amino acid conservation, physicochemical variation, residue mobility, and thermodynamic stability) performed at Invitae indicates that this missense variant is not expected to disrupt BRCA2 protein function with a negative predictive value of 95%. In summary, the available evidence is currently insufficient to determine the role of this variant in disease. Therefore, it has been classified as a Variant of Uncertain Significance.

All of Us Research Program, National Institutes of Health
Classification: Uncertain significance for Breast-ovarian cancer, familial, susceptibility to, 2. Last evaluated: 2024-01-08. Review status: criteria provided, single submitter. Criteria: ACMG Guidelines, 2015. Collection method: clinical testing. Allele origin: germline. Inheritance: Autosomal dominant inheritance. Observed: 1 variant allele, 1 heterozygote.
Comment: This missense variant replaces phenylalanine with valine at codon 520 of the BRCA2 protein. Computational prediction suggests that this variant may not impact protein structure and function (internally defined REVEL score threshold <= 0.5, PMID: 27666373). To our knowledge, functional studies have not been reported for this variant. This variant has been reported in an individual affected with breast cancer (PMID: 33471991; Leiden Open Variation Database DB-ID BRCA2_007838). This variant has been identified in 2/234680 chromosomes in the general population by the Genome Aggregation Database (gnomAD). The available evidence is insufficient to determine the role of this variant in disease conclusively. Therefore, this variant is classified as a Variant of Uncertain Significance.

This study involves interpretation of variants in research participants for the purpose of population health screening. Participant phenotype was not available at the time of variant classification. Additional details can be found in publication PMID: 35346344, PMCID: PMC8962531

Color Diagnostics, LLC DBA Color Health
Classification: Uncertain significance for Hereditary cancer-predisposing syndrome. Last evaluated: 2023-11-13. Review status: criteria provided, single submitter. Criteria: ACMG Guidelines, 2015. Collection method: clinical testing. Allele origin: germline.
Comment: This missense variant replaces phenylalanine with valine at codon 520 of the BRCA2 protein. Computational prediction suggests that this variant may not impact protein structure and function (internally defined REVEL score threshold <= 0.5, PMID: 27666373). To our knowledge, functional studies have not been reported for this variant. This variant has been reported in an individual affected with breast cancer (PMID: 33471991; Leiden Open Variation Database DB-ID BRCA2_007838). This variant has been identified in 2/234680 chromosomes in the general population by the Genome Aggregation Database (gnomAD). The available evidence is insufficient to determine the role of this variant in disease conclusively. Therefore, this variant is classified as a Variant of Uncertain Significance.

Myriad Genetics, Inc.
Classification: Likely benign for Breast-ovarian cancer, familial, susceptibility to, 2. Last evaluated: 2023-06-09. Review status: criteria provided, single submitter. Criteria: Myriad Autosomal Dominant, Autosomal Recessive and X-Linked Classification Criteria (2023). Collection method: clinical testing. Allele origin: unknown.
Comment: This variant is considered likely benign. This variant has been observed in conjunction with multiple pathogenic variants, reducing the likelihood this variant itself is pathogenic.

University of Washington Department of Laboratory Medicine, University of Washington
Classification: Likely benign for Hereditary cancer-predisposing syndrome. Last evaluated: 2023-03-23. Review status: criteria provided, single submitter. Criteria: Dines et al. (Genet Med. 2020). Collection method: curation. Allele origin: germline.
Comment: Missense variant in a coldspot region where missense variants are very unlikely to be pathogenic (PMID:31911673).

BRCA2 exon 10 coldspot. Reclassification based on statistical prior probability.

Women's Health and Genetics/Laboratory Corporation of America, LabCorp
Classification: Uncertain significance. Last evaluated: 2020-10-08. Review status: criteria provided, single submitter. Criteria: LabCorp Variant Classification Summary - May 2015. Collection method: clinical testing. Allele origin: germline.
Comment: Variant summary: BRCA2 c.1558T>G (p.Phe520Val) results in a non-conservative amino acid change in the encoded protein sequence. Three of five in-silico tools predict a damaging effect of the variant on protein function. The variant allele was found at a frequency of 8.5e-06 in 234680 control chromosomes (gnomAD). The available data on variant occurrences in the general population are insufficient to allow any conclusion about variant significance. To our knowledge, no occurrence of c.1558T>G in individuals affected with Hereditary Breast And Ovarian Cancer Syndrome and no experimental evidence demonstrating its impact on protein function have been reported. A co-occurrence with a pathogenic variant has been reported (BRCA1 c.5503C>T, p.Arg1835X; BIC database). A ClinVar submitter (evaluation after 2014) cites the variant as uncertain significance. Based on the evidence outlined above, the variant was classified as uncertain significance.

Molecular Endocrinology Laboratory, Christian Medical College
Classification: Uncertain significance for Breast-ovarian cancer, familial, susceptibility to, 2. Review status: criteria provided, single submitter. Criteria: ACMG Guidelines, 2015. Collection method: clinical testing. Allele origin: germline. Affected: yes.

BRCAlab, Lund University
Classification: Uncertain significance for Breast-ovarian cancer, familial, susceptibility to, 2. Last evaluated: 2020-03-02. Review status: no assertion criteria provided. Collection method: clinical testing. Allele origin: germline. Affected: yes. Not counted in ClinVar's aggregate classification.

Breast Cancer Information Core (BIC) (BRCA2)
Classification: Uncertain significance for Breast-ovarian cancer, familial 2. Last evaluated: 2003-12-23. Review status: no assertion criteria provided. Collection method: clinical testing. Allele origin: germline. Affected: yes. Observed: 1 variant allele. Not counted in ClinVar's aggregate classification.

Literature cited by the submitters: PubMed 10923033 (cited by Labcorp Genetics (formerly Invitae), Labcorp and Molecular Endocrinology Laboratory, Christian Medical College); PubMed 33471991 (cited by All of Us Research Program, National Institutes of Health and Color Diagnostics, LLC DBA Color Health).

NM_000059.4(BRCA2):c.1558T>G (p.Phe520Val)

Gene: BRCA2 (BRCA2 DNA repair associated; plus strand). Cytogenetic location: 13q13.1.
Variant type: single nucleotide variant.
Coding change: c.1558T>G on transcript NM_000059.4 (MANE Select); coding-DNA position 1558, T replaced by G.
Protein change: p.Phe520Val; replaces phenylalanine 520 with valine.
Molecular consequence: missense variant.
Genome position (GRCh38, 1-based): chr13:32,333,036, T>G. VCF-style: chr13-32333036-T-G. GRCh37 (hg19) VCF-style: chr13-32907173-T-G.
Other names: short protein forms F520V.
Identifiers: ClinVar variation 51143 (VCV000051143.22), dbSNP rs80358441, ClinGen allele CA012418.